The following is an entry in ClinVar:

NM_000264.5(PTCH1):c.2361A>C (p.Glu787Asp)

Genes: PTCH1 (patched 1; minus strand), LOC100507346 (uncharacterized LOC100507346; plus strand). Cytogenetic location: 9q22.32.
Variant type: single nucleotide variant.
Coding change: c.2361A>C on transcript NM_000264.5 (MANE Select); coding-DNA position 2361, A replaced by C.
Protein change: p.Glu787Asp; replaces glutamic acid 787 with aspartic acid.
Molecular consequence: missense variant.
Genome position (GRCh38, 1-based): chr9:95,467,315, T>G on the plus strand (A>C on the coding strand, the complement: PTCH1 is on the minus strand). VCF-style: chr9-95467315-T-G. GRCh37 (hg19) VCF-style: chr9-98229597-T-G.
Other names: c.2163A>C, p.Glu721Asp (NM_001083602.3); c.2358A>C, p.Glu786Asp (NM_001083603.3); c.1908A>C, p.Glu636Asp (NM_001083604.3, NM_001083605.3, NM_001083606.3 and 1 more transcripts); c.2205A>C, p.Glu735Asp (NM_001354918.2); short protein forms E787D, E721D, E735D, E786D, E636D.
Identifiers: ClinVar variation 569495 (VCV000569495.14), dbSNP rs1159846014, ClinGen allele CA374114488.
Genomic context (GRCh38, chr9:95,467,315, plus strand): 5'-GGTGACTATATACATGTTGTAGAAAGAAAAGTATTTGAATTGTGCAGCAATAAAGTCATA[T>G]TCTCTGGTTTCCCGAGGTACAATGTCCGTAAGGTCCAGCCCGTCTCTCACTCGGGTGGTG-3'
Protein context (NP_000255.2, residues 777-797): LTDIVPRETR[Glu787Asp]YDFIAAQFKY

ClinVar aggregate classification (germline): Uncertain significance. Review status: criteria provided, multiple submitters, no conflicts (2 of 4 stars). 2 submissions from 2 submitters: Uncertain significance (2). Last evaluated 2025-11-05.

Conditions:
Hereditary cancer-predisposing syndrome. Also called: Hereditary neoplastic syndrome; Neoplastic Syndromes, Hereditary; Hereditary Cancer Syndrome; Tumor predisposition. Identifiers: Orphanet 140162, MedGen C0027672, MeSH D009386, MONDO:0015356.
Gorlin syndrome. Also called: Nevoid Basal Cell Carcinoma Syndrome; Basal cell nevus syndrome. Identifiers: Orphanet 377, MedGen C0004779, MONDO:0007187.

Allele frequency attached by ClinVar (database versions not stated): gnomAD exomes below 0.00001; gnomAD 0.00001; TOPMed 0.00001.
gnomAD v4.1: 6 of 1,614,098 alleles (0.00037%); highest among the groups gnomAD compares: African/African-American, 0.0027%; no homozygotes.

Submissions (2):

Labcorp Genetics (formerly Invitae), Labcorp
Classification: Uncertain significance for Gorlin syndrome. Last evaluated: 2025-11-05. Review status: criteria provided, single submitter. Criteria: Invitae Variant Classification Sherloc (09022015). Collection method: clinical testing. Allele origin: germline.
Comment: This sequence change replaces glutamic acid, which is acidic and polar, with aspartic acid, which is acidic and polar, at codon 787 of the PTCH1 protein (p.Glu787Asp). This variant is not present in population databases (gnomAD no frequency). This variant has not been reported in the literature in individuals affected with PTCH1-related conditions. ClinVar contains an entry for this variant (Variation ID: 569495). Invitae Evidence Modeling of protein sequence and biophysical properties (such as structural, functional, and spatial information, amino acid conservation, physicochemical variation, residue mobility, and thermodynamic stability) has been performed for this missense variant. However, the output from this modeling did not meet the statistical confidence thresholds required to predict the impact of this variant on PTCH1 protein function. In summary, the available evidence is currently insufficient to determine the role of this variant in disease. Therefore, it has been classified as a Variant of Uncertain Significance.

Ambry Genetics
Classification: Uncertain significance for Hereditary cancer-predisposing syndrome. Last evaluated: 2024-03-31. Review status: criteria provided, single submitter. Criteria: Ambry Variant Classification Scheme 2023. Collection method: clinical testing. Allele origin: germline.
Comment: The p.E787D variant (also known as c.2361A>C), located in coding exon 15 of the PTCH1 gene, results from an A to C substitution at nucleotide position 2361. The glutamic acid at codon 787 is replaced by aspartic acid, an amino acid with highly similar properties. This amino acid position is highly conserved in available vertebrate species. In addition, the in silico prediction for this alteration is inconclusive. Since supporting evidence is limited at this time, the clinical significance of this alteration remains unclear.